The following is an entry in ClinVar:

ClinVar aggregate classification (germline): Likely pathogenic (1 of 4 stars; one submission).

Submission:

CeGaT Center for Human Genetics Tuebingen
Classification: Likely pathogenic. Last evaluated: 2024-07-01. Review status: criteria provided, single submitter. Criteria: CeGaT Center For Human Genetics Tuebingen Variant Classification Criteria Version 2. Collection method: clinical testing. Allele origin: germline. Affected: yes. Observed: 1 variant allele.
Comment: SPAST: PM2, PM5, PP2, PP3

NM_014946.4(SPAST):c.1730T>C (p.Met577Thr)

Gene: SPAST (spastin; plus strand). Cytogenetic location: 2p22.3.
Variant type: single nucleotide variant.
Coding change: c.1730T>C on transcript NM_014946.4 (MANE Select); coding-DNA position 1730, T replaced by C.
Protein change: p.Met577Thr; replaces methionine 577 with threonine.
Molecular consequence: missense variant. On other transcripts: 3 prime UTR variant (1).
Genome position (GRCh38, 1-based): chr2:32,154,375, T>C. VCF-style: chr2-32154375-T-C. GRCh37 (hg19) VCF-style: chr2-32379444-T-C.
Other names: c.1727T>C, p.Met576Thr (NM_001363823.2); c.1631T>C, p.Met544Thr (NM_001363875.2); c.*3T>C (NM_001377959.1); c.1634T>C, p.Met545Thr (NM_199436.2); short protein forms M544T, M545T, M576T, M577T.
Identifiers: ClinVar variation 3256959 (VCV003256959.17).